The following is an entry in ClinVar:

NM_170606.3(KMT2C):c.2807A>G (p.Glu936Gly)

Gene: KMT2C (lysine methyltransferase 2C; minus strand). Cytogenetic location: 7q36.1.
Variant type: single nucleotide variant.
Coding change: c.2807A>G on transcript NM_170606.3 (MANE Select); coding-DNA position 2807, A replaced by G.
Protein change: p.Glu936Gly; replaces glutamic acid 936 with glycine.
Molecular consequence: missense variant.
Genome position (GRCh38, 1-based): chr7:152,230,284, T>C on the plus strand (A>G on the coding strand, the complement: KMT2C is on the minus strand). VCF-style: chr7-152230284-T-C. GRCh37 (hg19) VCF-style: chr7-151927369-T-C.
Other names: short protein forms E936G.
Identifiers: ClinVar variation 3365844 (VCV003365844.1).
Genomic context (GRCh38, chr7:152,230,284, plus strand): 5'-TTCAAAGTGAACTTGTCACTGCTAGAAAACAACACAACTGTATTGTGCATAGAGTTTTCT[T>C]CATCATCCTTATTTGATGAAATATCTGCAGTAGACACCTATAAAAAGCAAAATACACAGA-3'
Protein context (NP_733751.2, residues 926-946): TADISSNKDD[Glu936Gly]ENSMHNTVVL

ClinVar aggregate classification (germline): Uncertain significance (1 of 4 stars; one submission).

Submission:

GeneDx
Classification: Uncertain significance. Last evaluated: 2023-12-20. Review status: criteria provided, single submitter. Criteria: GeneDx Variant Classification Process June 2021. Collection method: clinical testing. Allele origin: germline. Affected: yes.
Comment: Not observed at significant frequency in large population cohorts (gnomAD); In silico analysis supports that this missense variant has a deleterious effect on protein structure/function; Has not been previously published as pathogenic or benign to our knowledge